The following is an entry in ClinVar:

ClinVar aggregate classification (germline): Conflicting classifications of pathogenicity. Review status: criteria provided, conflicting classifications (1 of 4 stars). 3 submissions from 3 submitters: Uncertain significance (2); Likely benign (1). Last evaluated 2025-02-01.

Conditions:
Cardiovascular phenotype. Identifiers: MedGen CN230736.

Allele frequency attached by ClinVar (database versions not stated): gnomAD 0.00001 and 0.00002; TOPMed 0.00002; gnomAD exomes 0.00003; ExAC 0.00006.
gnomAD v4.1: 24 of 1,550,202 alleles (0.0015%); highest among the groups gnomAD compares: Non-Finnish European, 0.0019%; no homozygotes.

Submissions (3):

CeGaT Center for Human Genetics Tuebingen
Classification: Uncertain significance. Last evaluated: 2025-02-01. Review status: criteria provided, single submitter. Criteria: CeGaT Center For Human Genetics Tuebingen Variant Classification Criteria Version 2. Collection method: clinical testing. Allele origin: germline. Affected: yes. Observed: 1 variant allele.
Comment: ZNF469: PM2, BP4

Labcorp Genetics (formerly Invitae), Labcorp
Classification: Uncertain significance. Last evaluated: 2021-08-14. Review status: criteria provided, single submitter. Criteria: Invitae Variant Classification Sherloc (09022015). Collection method: clinical testing. Allele origin: germline.
Comment: This sequence change replaces glycine with serine at codon 2412 of the ZNF469 protein (p.Gly2412Ser). The glycine residue is weakly conserved and there is a small physicochemical difference between glycine and serine. This variant is present in population databases (rs761232264, ExAC 0.01%). This variant has not been reported in the literature in individuals affected with ZNF469-related conditions. Algorithms developed to predict the effect of missense changes on protein structure and function output the following: SIFT: "Tolerated"; PolyPhen-2: "Benign"; Align-GVGD: "Class C0". The serine amino acid residue is found in multiple mammalian species, which suggests that this missense change does not adversely affect protein function. In summary, the available evidence is currently insufficient to determine the role of this variant in disease. Therefore, it has been classified as a Variant of Uncertain Significance.

Ambry Genetics
Classification: Likely benign for Cardiovascular phenotype. Last evaluated: 2020-08-17. Review status: criteria provided, single submitter. Criteria: Ambry Variant Classification Scheme 2023. Collection method: clinical testing. Allele origin: germline.

NM_001367624.2(ZNF469):c.7318G>A (p.Gly2440Ser)

Gene: ZNF469 (zinc finger protein 469; plus strand). Cytogenetic location: 16q24.2.
Variant type: single nucleotide variant.
Coding change: c.7318G>A on transcript NM_001367624.2 (MANE Select); coding-DNA position 7318, G replaced by A.
Protein change: p.Gly2440Ser; replaces glycine 2440 with serine.
Molecular consequence: missense variant.
Genome position (GRCh38, 1-based): chr16:88,434,788, G>A. VCF-style: chr16-88434788-G-A. GRCh37 (hg19) VCF-style: chr16-88501196-G-A.
Other names: NM_001127464.1:c.7234G>A; short protein forms G2440S.
Identifiers: ClinVar variation 1445007 (VCV001445007.20), dbSNP rs761232264, ClinGen allele CA8225235.